The following is an entry in ClinVar:

NM_000020.3(ACVRL1):c.590C>A (p.Thr197Lys)

Gene: ACVRL1 (activin A receptor like type 1; plus strand). Cytogenetic location: 12q13.13.
Variant type: single nucleotide variant.
Coding change: c.590C>A on transcript NM_000020.3 (MANE Select); coding-DNA position 590, C replaced by A.
Protein change: p.Thr197Lys; replaces threonine 197 with lysine.
Molecular consequence: missense variant.
Genome position (GRCh38, 1-based): chr12:51,914,038, C>A. VCF-style: chr12-51914038-C-A. GRCh37 (hg19) VCF-style: chr12-52307822-C-A.
Other names: c.590C>A, p.Thr197Lys (NM_001077401.2); short protein forms T197K.
Identifiers: ClinVar variation 439377 (VCV000439377.12), dbSNP rs1555152796, ClinGen allele CA384899766.
Genomic context (GRCh38, chr12:51,914,038, plus strand): 5'-TCCTGGACAGTGACTGCACCACAGGGAGTGGCTCAGGGCTCCCCTTCCTGGTGCAGAGGA[C>A]AGTGGCACGGCAGGTTGCCTTGGTGGAGTGTGTGGGTGAGCAGTGGGTGAGCCCGGTGGA-3'
Protein context (NP_000011.2, residues 187-207): GSGLPFLVQR[Thr197Lys]VARQVALVEC

ClinVar aggregate classification (germline): Conflicting classifications of pathogenicity. Review status: criteria provided, conflicting classifications (1 of 4 stars). 3 submissions from 3 submitters: Likely pathogenic (2); Uncertain significance (1). Last evaluated 2025-05-21.

Conditions:
Telangiectasia, hereditary hemorrhagic, type 2 (HHT2). Also called: Telangiectasia, hereditary hemorrhagic, type II; ACVRL1-Related Hereditary Hemorrhagic Telangiectasia. Identifiers: Orphanet 774, MedGen C1838163, MONDO:0010880, OMIM 600376. Disease mechanism: loss of function.

Submissions (3):

Molecular Diagnostics Laboratory, M Health Fairview: University of Minnesota
Classification: Likely pathogenic for Telangiectasia, hereditary hemorrhagic, type 2. Last evaluated: 2025-05-21. Review status: criteria provided, single submitter. Criteria: ACMG Guidelines, 2015. Collection method: clinical testing. Allele origin: germline. Affected: yes.

GeneDx
Classification: Uncertain significance. Last evaluated: 2019-09-27. Review status: criteria provided, single submitter. Criteria: GeneDx Variant Classification Process June 2021. Collection method: clinical testing. Allele origin: germline. Affected: yes.
Comment: Has not been previously published as pathogenic or benign to our knowledge; Not observed in large population cohorts (Lek et al., 2016); Reported as likely pathogenic by another clinical laboratory in ClinVar (ClinVar Variant ID 439377; Landrum et al., 2016); In silico analysis, which includes protein predictors and evolutionary conservation, supports a deleterious effect; Different pathogenic missense changes at this residue (T197R, T197I) have been reported in association with PAH/HHT (Stenson et al., 2014); however, the pathogenicity of those variants has not been definitively determined

ARUP Laboratories, Molecular Genetics and Genomics, ARUP Laboratories
Classification: Likely pathogenic. Last evaluated: 2016-10-07. Review status: criteria provided, single submitter. Criteria: ARUP Molecular Germline Variant Investigation Process. Collection method: clinical testing. Allele origin: germline.